The following is an entry in ClinVar:

ClinVar aggregate classification (germline): Benign. Review status: criteria provided, multiple submitters, no conflicts (2 of 4 stars). 10 submissions from 8 submitters: Benign (10). Last evaluated 2026-02-04.

Conditions:
Schwartz-Jampel syndrome. Also called: Myotonic myopathy dwarfism chondrodystrophy and ocular and facial abnormalities. Identifiers: Orphanet 800, MedGen C0036391, MONDO:0009717.
Lethal Kniest-like syndrome (DDSH). Also called: Dyssegmental Dysplasia. Identifiers: Orphanet 1865, MedGen C1857100, MONDO:0009140, OMIM 224410.

Allele frequency attached by ClinVar (database versions not stated): 1000 Genomes Project 30x 0.77733; 1000 Genomes Project 0.78035; TOPMed 0.78582; gnomAD 0.78919 and 0.79129; ESP Exome Variant Server 0.79233.
gnomAD v4.1: 1,299,055 of 1,589,942 alleles (82%); highest among the groups gnomAD compares: Middle Eastern, 86%; 531,358 homozygotes.

Submissions (10):

Labcorp Genetics (formerly Invitae), Labcorp
Classification: Benign. Last evaluated: 2026-02-04. Review status: criteria provided, single submitter. Criteria: Invitae Variant Classification Sherloc (09022015). Collection method: clinical testing. Allele origin: germline.

ARUP Laboratories, Molecular Genetics and Genomics, ARUP Laboratories
Classification: Benign. Last evaluated: 2025-07-22. Review status: criteria provided, single submitter. Criteria: ARUP Molecular Germline Variant Investigation Process 2024. Collection method: clinical testing. Allele origin: germline.

Blueprint Genetics
Classification: Benign. Last evaluated: 2024-11-26. Review status: criteria provided, single submitter. Criteria: ACMG Guidelines, 2015. Collection method: clinical testing. Allele origin: germline.

Genome-Nilou Lab
Classification: Benign for Lethal Kniest-like syndrome. Last evaluated: 2021-08-10. Review status: criteria provided, single submitter. Criteria: ACMG Guidelines, 2015. Collection method: clinical testing. Allele origin: germline. Affected: no.

Genome-Nilou Lab
Classification: Benign for Schwartz-Jampel syndrome type 1. Last evaluated: 2021-08-10. Review status: criteria provided, single submitter. Criteria: ACMG Guidelines, 2015. Collection method: clinical testing. Allele origin: germline. Affected: no.

Athena Diagnostics
Classification: Benign. Last evaluated: 2019-02-21. Review status: criteria provided, single submitter. Criteria: Athena Diagnostics Criteria. Collection method: clinical testing. Allele origin: germline.

GeneDx
Classification: Benign. Last evaluated: 2018-08-09. Review status: criteria provided, single submitter. Criteria: GeneDx Variant Classification Process June 2021. Collection method: clinical testing. Allele origin: germline. Affected: yes.

Illumina Laboratory Services, Illumina
Classification: Benign for Schwartz-Jampel syndrome type 1. Last evaluated: 2018-01-13. Review status: criteria provided, single submitter. Criteria: ICSL Variant Classification Criteria 13 December 2019. Collection method: clinical testing. Allele origin: germline.
Comment: This variant was observed in the ICSL laboratory as part of a predisposition screen in an ostensibly healthy population. It had not been previously curated by ICSL or reported in the Human Gene Mutation Database (HGMD: prior to June 1st, 2018), and was therefore a candidate for classification through an automated scoring system. Utilizing variant allele frequency, disease prevalence and penetrance estimates, and inheritance mode, an automated score was calculated to assess if this variant is too frequent to cause the disease. Based on the score and internal cut-off values, a variant classified as benign is not then subjected to further curation. The score for this variant resulted in a classification of benign for this disease.

Illumina Laboratory Services, Illumina
Classification: Benign for Lethal Kniest-like syndrome. Last evaluated: 2018-01-13. Review status: criteria provided, single submitter. Criteria: ICSL Variant Classification Criteria 13 December 2019. Collection method: clinical testing. Allele origin: germline.
Comment: the same text as in the submission from Illumina Laboratory Services, Illumina above.

Breakthrough Genomics
Classification: Benign. Review status: criteria provided, single submitter. Criteria: ACMG Guidelines, 2015. Collection method: not provided. Allele origin: germline. Inheritance: Autosomal recessive inheritance. Affected: yes.

NM_005529.7(HSPG2):c.13050A>G (p.Ser4350=)

Genes: HSPG2 (heparan sulfate proteoglycan 2; minus strand), LDLRAD2 (low density lipoprotein receptor class A domain containing 2; plus strand). Cytogenetic location: 1p36.12.
Variant type: single nucleotide variant.
Coding change: c.13050A>G on transcript NM_005529.7 (MANE Select); coding-DNA position 13050, A replaced by G.
Protein change: p.Ser4350=; no amino-acid change (serine 4350 retained).
Molecular consequence: synonymous variant. On other transcripts: 3 prime UTR variant (1).
Genome position (GRCh38, 1-based): chr1:21,823,442, T>C on the plus strand (A>G on the coding strand, the complement: HSPG2 is on the minus strand). VCF-style: chr1-21823442-T-C. GRCh37 (hg19) VCF-style: chr1-22149935-T-C.
Other names: c.13053A>G, p.Ser4351= (NM_001291860.2); c.*1227T>C (NM_001013693.3).
Identifiers: ClinVar variation 295695 (VCV000295695.34), dbSNP rs897467, ClinGen allele CA669138.